The following is an entry in ClinVar:

ClinVar aggregate classification (germline): Likely benign. Review status: criteria provided, multiple submitters, no conflicts (2 of 4 stars). 2 submissions from 2 submitters: Likely benign (2). Last evaluated 2025-04-01.

Allele frequency attached by ClinVar (database versions not stated): TOPMed 0.00002; ESP Exome Variant Server 0.00008.
gnomAD v4.1: 55 of 1,614,164 alleles (0.0034%); highest among the groups gnomAD compares: African/African-American, 0.004%; no homozygotes.

Submissions (2):

CeGaT Center for Human Genetics Tuebingen
Classification: Likely benign. Last evaluated: 2025-04-01. Review status: criteria provided, single submitter. Criteria: CeGaT Center For Human Genetics Tuebingen Variant Classification Criteria Version 2. Collection method: clinical testing. Allele origin: germline. Affected: yes. Observed: 2 variant alleles.
Comment: HIVEP2: BP4, BP7

Labcorp Genetics (formerly Invitae), Labcorp
Classification: Likely benign. Last evaluated: 2025-03-17. Review status: criteria provided, single submitter. Criteria: Invitae Variant Classification Sherloc (09022015). Collection method: clinical testing. Allele origin: germline.

NM_006734.4(HIVEP2):c.1584G>A (p.Pro528=)

Gene: HIVEP2 (HIVEP zinc finger 2; minus strand). Cytogenetic location: 6q24.2.
Variant type: single nucleotide variant.
Coding change: c.1584G>A on transcript NM_006734.4 (MANE Select); coding-DNA position 1584, G replaced by A.
Protein change: p.Pro528=; no amino-acid change (proline 528 retained).
Molecular consequence: synonymous variant.
Genome position (GRCh38, 1-based): chr6:142,773,155, C>T on the plus strand (G>A on the coding strand, the complement: HIVEP2 is on the minus strand). VCF-style: chr6-142773155-C-T. GRCh37 (hg19) VCF-style: chr6-143094292-C-T.
Identifiers: ClinVar variation 1972462 (VCV001972462.18), dbSNP rs375645482, ClinGen allele CA4028571.